The following is an entry in ClinVar:

NM_033004.4(NLRP1):c.1021_1022insA (p.Ser341fs)

Gene: NLRP1 (NLR family pyrin domain containing 1; minus strand). Cytogenetic location: 17p13.2.
Variant type: Insertion.
Coding change: c.1021_1022insA on transcript NM_033004.4 (MANE Select); coding-DNA positions 1021 to 1022, A inserted.
Protein change: p.Ser341fs; shifts the reading frame from serine 341.
Molecular consequence: frameshift variant.
Genome position: GRCh38 VCF-style: chr17-5559674-G-GT. GRCh37 (hg19) VCF-style: chr17-5462994-G-GT.
Other names: c.1021_1022insA, p.Ser341fs (NM_001033053.3, NM_014922.5, NM_033006.4 and 1 more transcripts); short protein forms S341fs.
Identifiers: ClinVar variation 2009264 (VCV002009264.4), dbSNP rs2507941452, ClinGen allele CA2580093567.

ClinVar aggregate classification (germline): Uncertain significance (1 of 4 stars; one submission).

Submission:

Labcorp Genetics (formerly Invitae), Labcorp
Classification: Uncertain significance. Last evaluated: 2022-06-22. Review status: criteria provided, single submitter. Criteria: Invitae Variant Classification Sherloc (09022015). Collection method: clinical testing. Allele origin: germline.
Comment: This sequence change creates a premature translational stop signal (p.Ser341Tyrfs*42) in the NLRP1 gene. It is expected to result in an absent or disrupted protein product. However, the current clinical and genetic evidence is not sufficient to establish whether loss-of-function variants in NLRP1 cause disease. This variant is not present in population databases (gnomAD no frequency). This variant has not been reported in the literature in individuals affected with NLRP1-related conditions. In summary, the available evidence is currently insufficient to determine the role of this variant in disease. Therefore, it has been classified as a Variant of Uncertain Significance.